The following is an entry in ClinVar:

ClinVar aggregate classification (germline): Pathogenic (1 of 4 stars; one submission).

Conditions:
Early-infantile DEE. Also called: Early infantile epileptic encephalopathy; Early infantile epileptic encephalopathy with suppression bursts; Ohtahara syndrome. Identifiers: Orphanet 1934, MedGen C0393706, MONDO:0800491.

Submission:

Labcorp Genetics (formerly Invitae), Labcorp
Classification: Pathogenic for Early-infantile DEE. Last evaluated: 2023-10-16. Review status: criteria provided, single submitter. Criteria: Invitae Variant Classification Sherloc (09022015). Collection method: clinical testing. Allele origin: germline.
Comment: This sequence change creates a premature translational stop signal (p.Cys1211*) in the SCN1A gene. It is expected to result in an absent or disrupted protein product. Loss-of-function variants in SCN1A are known to be pathogenic (PMID: 17347258, 18930999). This variant is not present in population databases (gnomAD no frequency). This premature translational stop signal has been observed in individual(s) with Dravet Syndrome (PMID: 29141279). For these reasons, this variant has been classified as Pathogenic.

Literature cited by the submitters: PubMed 17347258; PubMed 18930999; PubMed 29141279.

NM_001165963.4(SCN1A):c.3633T>A (p.Cys1211Ter)

Genes: SCN1A (sodium voltage-gated channel alpha subunit 1; minus strand), LOC102724058 (uncharacterized LOC102724058; plus strand). Cytogenetic location: 2q24.3.
Variant type: single nucleotide variant.
Coding change: c.3633T>A on transcript NM_001165963.4 (MANE Select); coding-DNA position 3633, T replaced by A.
Protein change: p.Cys1211Ter; replaces cysteine 1211 with a stop codon.
Molecular consequence: nonsense. On other transcripts: non-coding transcript variant (1).
Genome position (GRCh38, 1-based): chr2:166,013,816, A>T on the plus strand (T>A on the coding strand, the complement: SCN1A is on the minus strand). VCF-style: chr2-166013816-A-T. GRCh37 (hg19) VCF-style: chr2-166870326-A-T.
Other names: c.3597T>A, p.Cys1199Ter (NM_001353955.2, NM_001353954.2); c.3549T>A, p.Cys1183Ter (NM_001353957.2, NM_001353958.2, NM_001165964.3); c.3546T>A, p.Cys1182Ter (NM_001353960.2); c.1191T>A, p.Cys397Ter (NM_001353961.2); c.3600T>A, p.Cys1200Ter (NM_006920.6, NM_001353949.2, NM_001353950.2 and 2 more transcripts); c.3633T>A, p.Cys1211Ter (NM_001202435.3, NM_001353948.2); short protein forms C1200*, C1182*, C1183*, C1199*, C397*, C1211*.
Identifiers: ClinVar variation 2734303 (VCV002734303.3), dbSNP rs2468531809, ClinGen allele CA349056072.